The following is an entry in ClinVar:

ClinVar aggregate classification (germline): Pathogenic (1 of 4 stars; one submission).

Conditions:
Fuhrmann syndrome. Identifiers: Orphanet 2854, MedGen C1856728, MONDO:0009232, OMIM 228930.
Schinzel phocomelia syndrome. Also called: ULNA AND FIBULA, ABSENCE OF, WITH SEVERE LIMB DEFICIENCY; AL-AWADI/RAAS-ROTHSCHILD SYNDROME; LIMB/PELVIS-HYPOPLASIA/APLASIA SYNDROME; Phocomelia, Schinzel type. Identifiers: Orphanet 2879, MedGen C1848651, MONDO:0010164, OMIM 276820.
Santos syndrome. Also called: FIBULAR AGENESIS/HYPOPLASIA, OLIGODACTYLOUS CLUBFEET, AND ANONYCHIA/NAIL HYPOPLASIA SYNDROME. Identifiers: MedGen C2751698, MONDO:0013077, OMIM 613005.

gnomAD v4.1: 1 of 1,613,948 alleles (0.000062%); highest among the groups gnomAD compares: Non-Finnish European, 0.000085%; no homozygotes.

Submission:

Juno Genomics, Hangzhou Juno Genomics, Inc
Classification: Pathogenic for Santos syndrome; Schinzel phocomelia syndrome; Fuhrmann syndrome. Review status: criteria provided, single submitter. Criteria: ACMG Guidelines, 2015. Collection method: clinical testing. Allele origin: germline. Affected: yes.
Comment: Absent from controls (or at extremely low frequency if recessive) in Genome Aggregation Database.;Null variant in a gene where loss of function (LOF) is a known mechanism of disease.;Patient's phenotype or family history is highly specific for a disease with a single genetic etiology.

NM_004625.4(WNT7A):c.570+2T>C

Genes: WNT7A (Wnt family member 7A; minus strand), LOC126806608 (P300/CBP strongly-dependent group 1 enhancer GRCh37_chr3:13895244-13896443; plus strand). Cytogenetic location: 3p25.1.
Variant type: single nucleotide variant.
Coding change: c.570+2T>C on transcript NM_004625.4 (MANE Select); the canonical splice donor site of the intron after coding-DNA position 570, T replaced by C.
Molecular consequence: splice donor variant.
Genome position (GRCh38, 1-based): chr3:13,854,530, A>G on the plus strand (T>C on the coding strand, the complement: WNT7A is on the minus strand). VCF-style: chr3-13854530-A-G. GRCh37 (hg19) VCF-style: chr3-13896027-A-G.
Identifiers: ClinVar variation 5018575 (VCV005018575.1).